The following is an entry in ClinVar:

ClinVar aggregate classification (germline): Uncertain significance (1 of 4 stars; one submission).

Conditions:
Cardiovascular phenotype. Identifiers: MedGen CN230736.

Allele frequency attached by ClinVar (database versions not stated): TOPMed 0.00001.

Submission:

Ambry Genetics
Classification: Uncertain significance for Cardiovascular phenotype. Last evaluated: 2023-06-09. Review status: criteria provided, single submitter. Criteria: Ambry Variant Classification Scheme 2023. Collection method: clinical testing. Allele origin: germline.
Comment: The p.S413G variant (also known as c.1237A>G), located in coding exon 3 of the HCN4 gene, results from an A to G substitution at nucleotide position 1237. The serine at codon 413 is replaced by glycine, an amino acid with similar properties. This amino acid position is conserved. In addition, this alteration is predicted to be deleterious by in silico analysis. Since supporting evidence is limited at this time, the clinical significance of this alteration remains unclear.

NM_005477.3(HCN4):c.1237A>G (p.Ser413Gly)

Gene: HCN4 (hyperpolarization activated cyclic nucleotide gated potassium channel 4; minus strand). Cytogenetic location: 15q24.1.
Variant type: single nucleotide variant.
Coding change: c.1237A>G on transcript NM_005477.3 (MANE Select); coding-DNA position 1237, A replaced by G.
Protein change: p.Ser413Gly; replaces serine 413 with glycine.
Molecular consequence: missense variant.
Genome position (GRCh38, 1-based): chr15:73,332,265, T>C on the plus strand (A>G on the coding strand, the complement: HCN4 is on the minus strand). VCF-style: chr15-73332265-T-C. GRCh37 (hg19) VCF-style: chr15-73624606-T-C.
Other names: short protein forms S413G.
Identifiers: ClinVar variation 2565018 (VCV002565018.2), dbSNP rs1173370001, ClinGen allele CA393094533.